The following is an entry in ClinVar:

NM_007215.4(POLG2):c.420del (p.Asp142fs)

Genes: MILR1 (mast cell immunoglobulin like receptor 1; plus strand), POLG2 (DNA polymerase gamma 2, accessory subunit; minus strand). Cytogenetic location: 17q23.3.
Variant type: Deletion.
Coding change: c.420del on transcript NM_007215.4 (MANE Select); coding-DNA position 420, one base deleted (C; older notation c.420delC).
Protein change: p.Asp142fs; shifts the reading frame from aspartic acid 142.
Molecular consequence: frameshift variant.
Genome position (GRCh38, 1-based): chr17:64,496,549, G deleted on the plus strand (C on the coding strand, the reverse complement: POLG2 is on the minus strand); the first of 3 consecutive G bases (chr17:64,496,549-64,496,551); deleting any one gives the same sequence. VCF-style (leftmost placement, unchanged base first): chr17-64496548-CG-C. GRCh37 (hg19) VCF-style: chr17-62492666-CG-C.
Other names: short protein forms D142fs.
Identifiers: ClinVar variation 1442987 (VCV001442987.7), dbSNP rs1555669548, ClinGen allele CA627151075.
Genomic context (GRCh38, chr17:64,496,548, plus strand): 5'-CTTTGTCTTGCAAGATTTCGCGTAGAGTTTCTGCAGAAACTAACCTGAAGGCACTGTCCC[CG>C]GGTAGCAAAGGGCCTGGTTTGTGGTGGAGGGCGTCCACCGGGAATACCTGCTCCCTGAAC-3'

ClinVar aggregate classification (germline): Pathogenic/Likely pathogenic. Review status: criteria provided, multiple submitters, no conflicts (2 of 4 stars). 2 submissions from 2 submitters: Pathogenic (1); Likely pathogenic (1). Last evaluated 2023-10-09.

Conditions:
POLG2-related disorder. Also called: POLG2-related condition; POLG2-related disorders.

Submissions (2):

Labcorp Genetics (formerly Invitae), Labcorp
Classification: Pathogenic. Last evaluated: 2023-10-09. Review status: criteria provided, single submitter. Criteria: Invitae Variant Classification Sherloc (09022015). Collection method: clinical testing. Allele origin: germline.
Comment: This sequence change creates a premature translational stop signal (p.Asp142Thrfs*6) in the POLG2 gene. It is expected to result in an absent or disrupted protein product. Loss-of-function variants in POLG2 are known to be pathogenic (PMID: 28078310, 29625556). This variant is present in population databases (no rsID available, gnomAD 0.0009%). This variant has not been reported in the literature in individuals affected with POLG2-related conditions. ClinVar contains an entry for this variant (Variation ID: 1442987). For these reasons, this variant has been classified as Pathogenic.

Women's Health and Genetics/Laboratory Corporation of America, LabCorp
Classification: Likely pathogenic for POLG2-Related Disorders. Last evaluated: 2022-10-23. Review status: criteria provided, single submitter. Criteria: LabCorp Variant Classification Summary - May 2015. Collection method: clinical testing. Allele origin: germline.
Comment: Variant summary: POLG2 c.420delC (p.Asp142ThrfsX6) results in a premature termination codon, predicted to cause a truncation of the encoded protein or absence of the protein due to nonsense mediated decay, which are commonly known mechanisms for disease. The variant allele was found at a frequency of 4e-06 in 251478 control chromosomes (gnomAD). To our knowledge, no occurrence of c.420delC in individuals affected with POLG2-Related Disorder and no experimental evidence demonstrating its impact on protein function have been reported. One ClinVar submitter has assessed the variant since 2014: the variant was classified as pathogenic. Based on the evidence outlined above, the variant was classified as likely pathogenic.

Literature cited by the submitters: PubMed 28078310 (cited by Labcorp Genetics (formerly Invitae), Labcorp); PubMed 29625556 (cited by Labcorp Genetics (formerly Invitae), Labcorp).